The following is an entry in ClinVar:

NM_006361.6(HOXB13):c.749C>T (p.Ser250Leu)

Gene: HOXB13 (homeobox B13; minus strand). Cytogenetic location: 17q21.32.
Variant type: single nucleotide variant.
Coding change: c.749C>T on transcript NM_006361.6 (MANE Select); coding-DNA position 749, C replaced by T.
Protein change: p.Ser250Leu; replaces serine 250 with leucine.
Molecular consequence: missense variant.
Genome position (GRCh38, 1-based): chr17:48,726,896, G>A on the plus strand (C>T on the coding strand, the complement: HOXB13 is on the minus strand). VCF-style: chr17-48726896-G-A. GRCh37 (hg19) VCF-style: chr17-46804258-G-A.
Other names: short protein forms S250L.
Identifiers: ClinVar variation 1759187 (VCV001759187.6), dbSNP rs751610575, ClinGen allele CA8633918.
Genomic context (GRCh38, chr17:48,726,896, plus strand): 5'-TTGACCCGGCGGTTCTGAAACCAGATGGTAATCTGGCGCTCCGAGAGGCTGGTGGCTGCC[G>A]AGATCTTGCGCCTCTTGTCCTTGGTGATGAACTTGTTAGCCGCATACTCCCGCTCCAGCT-3'
Protein context (NP_006352.2, residues 240-260): FITKDKRRKI[Ser250Leu]AATSLSERQI

ClinVar aggregate classification (germline): Uncertain significance. Review status: criteria provided, multiple submitters, no conflicts (2 of 4 stars). 2 submissions from 2 submitters: Uncertain significance (2). Last evaluated 2024-12-09.

Conditions:
Hereditary cancer-predisposing syndrome. Also called: Neoplastic Syndromes, Hereditary; Tumor predisposition; Hereditary Cancer Syndrome; Hereditary neoplastic syndrome. Identifiers: Orphanet 140162, MedGen C0027672, MeSH D009386, MONDO:0015356.

Allele frequency attached by ClinVar (database versions not stated): gnomAD exomes below 0.00001; ExAC 0.00001.

Submissions (2):

Labcorp Genetics (formerly Invitae), Labcorp
Classification: Uncertain significance. Last evaluated: 2024-12-09. Review status: criteria provided, single submitter. Criteria: Invitae Variant Classification Sherloc (09022015). Collection method: clinical testing. Allele origin: germline.
Comment: This sequence change replaces serine, which is neutral and polar, with leucine, which is neutral and non-polar, at codon 250 of the HOXB13 protein (p.Ser250Leu). This variant is present in population databases (rs751610575, gnomAD 0.0009%). This variant has not been reported in the literature in individuals affected with HOXB13-related conditions. ClinVar contains an entry for this variant (Variation ID: 1759187). Invitae Evidence Modeling of protein sequence and biophysical properties (such as structural, functional, and spatial information, amino acid conservation, physicochemical variation, residue mobility, and thermodynamic stability) indicates that this missense variant is expected to disrupt HOXB13 protein function with a positive predictive value of 80%. In summary, the available evidence is currently insufficient to determine the role of this variant in disease. Therefore, it has been classified as a Variant of Uncertain Significance.

Ambry Genetics
Classification: Uncertain significance for Hereditary cancer-predisposing syndrome. Last evaluated: 2024-12-07. Review status: criteria provided, single submitter. Criteria: Ambry Variant Classification Scheme 2023. Collection method: clinical testing. Allele origin: germline.
Comment: The p.S250L variant (also known as c.749C>T), located in coding exon 2 of the HOXB13 gene, results from a C to T substitution at nucleotide position 749. The serine at codon 250 is replaced by leucine, an amino acid with dissimilar properties.This amino acid position is well conserved in available vertebrate species. In addition, this alteration is predicted to be deleterious by in silico analysis. Since supporting evidence is limited at this time, the clinical significance of this alteration remains unclear.

Literature cited by the submitters: PubMed 28072499 (cited by Ambry Genetics).